The following is an entry in ClinVar:

ClinVar aggregate classification (germline): Uncertain significance (1 of 4 stars; one submission).

gnomAD v4.1: 2 of 1,614,044 alleles (0.00012%); highest among the groups gnomAD compares: Admixed American, 0.0033%; no homozygotes.

Submission:

Labcorp Genetics (formerly Invitae), Labcorp
Classification: Uncertain significance. Last evaluated: 2024-03-21. Review status: criteria provided, single submitter. Criteria: Invitae Variant Classification Sherloc (09022015). Collection method: clinical testing. Allele origin: germline.
Comment: This sequence change replaces valine, which is neutral and non-polar, with alanine, which is neutral and non-polar, at codon 46 of the CCDC50 protein (p.Val46Ala). This variant is present in population databases (rs762769423, gnomAD 0.006%). This variant has not been reported in the literature in individuals affected with CCDC50-related conditions. An algorithm developed to predict the effect of missense changes on protein structure and function (PolyPhen-2) suggests that this variant is likely to be tolerated. In summary, the available evidence is currently insufficient to determine the role of this variant in disease. Therefore, it has been classified as a Variant of Uncertain Significance.

NM_178335.3(CCDC50):c.137T>C (p.Val46Ala)

Gene: CCDC50 (coiled-coil domain containing 50; plus strand). Cytogenetic location: 3q28.
Variant type: single nucleotide variant.
Coding change: c.137T>C on transcript NM_178335.3 (MANE Select); coding-DNA position 137, T replaced by C.
Protein change: p.Val46Ala; replaces valine 46 with alanine.
Molecular consequence: missense variant.
Genome position (GRCh38, 1-based): chr3:191,358,022, T>C. VCF-style: chr3-191358022-T-C. GRCh37 (hg19) VCF-style: chr3-191075811-T-C.
Other names: c.137T>C, p.Val46Ala (NM_174908.4); short protein forms V46A.
Identifiers: ClinVar variation 3670565 (VCV003670565.2).